The following is an entry in ClinVar:

ClinVar aggregate classification (germline): Uncertain significance (1 of 4 stars; one submission).

Conditions:
Inborn genetic diseases. Identifiers: MedGen C0950123, MeSH D030342.

Submission:

Ambry Genetics
Classification: Uncertain significance for Inborn genetic diseases. Last evaluated: 2025-05-17. Review status: criteria provided, single submitter. Criteria: Ambry Variant Classification Scheme 2023. Collection method: clinical testing. Allele origin: germline.
Comment: The p.R207L variant (also known as c.620G>T), located in coding exon 4 of the KDM1A gene, results from a G to T substitution at nucleotide position 620. The arginine at codon 207 is replaced by leucine, an amino acid with dissimilar properties. This amino acid position is conserved. In addition, the in silico prediction for this alteration is inconclusive. Based on the available evidence, the clinical significance of this variant remains unclear.

NM_001009999.3(KDM1A):c.620G>T (p.Arg207Leu)

Gene: KDM1A (lysine demethylase 1A; plus strand). Cytogenetic location: 1p36.12.
Variant type: single nucleotide variant.
Coding change: c.620G>T on transcript NM_001009999.3 (MANE Select); coding-DNA position 620, G replaced by T.
Protein change: p.Arg207Leu; replaces arginine 207 with leucine.
Molecular consequence: missense variant.
Genome position (GRCh38, 1-based): chr1:23,050,429, G>T. VCF-style: chr1-23050429-G-T. GRCh37 (hg19) VCF-style: chr1-23376922-G-T.
Other names: c.560G>T, p.Arg187Leu (NM_001363654.2, NM_001410763.1, NM_015013.4); c.620G>T, p.Arg207Leu (NM_001410762.1); short protein forms R207L, R187L.
Identifiers: ClinVar variation 4042139 (VCV004042139.1).